The following is an entry in ClinVar:

NM_002474.3(MYH11):c.3712G>C (p.Gly1238Arg)

Gene: MYH11 (myosin heavy chain 11; minus strand). Cytogenetic location: 16p13.11.
Variant type: single nucleotide variant.
Coding change: c.3712G>C on transcript NM_002474.3 (MANE Select); coding-DNA position 3712, G replaced by C.
Protein change: p.Gly1238Arg; replaces glycine 1238 with arginine.
Molecular consequence: missense variant.
Genome position (GRCh38, 1-based): chr16:15,726,994, C>G on the plus strand (G>C on the coding strand, the complement: MYH11 is on the minus strand). VCF-style: chr16-15726994-C-G. GRCh37 (hg19) VCF-style: chr16-15820851-C-G.
Other names: c.3733G>C, p.Gly1245Arg (NM_001040113.2, NM_001040114.2); c.3712G>C, p.Gly1238Arg (NM_022844.3); short protein forms G1238R, G1245R.
Identifiers: ClinVar variation 925146 (VCV000925146.9), dbSNP rs558332944, ClinGen allele CA7921909.

ClinVar aggregate classification (germline): Uncertain significance. Review status: criteria provided, multiple submitters, no conflicts (2 of 4 stars). 3 submissions from 3 submitters: Uncertain significance (3). Last evaluated 2025-12-26.

Conditions:
Aortic aneurysm, familial thoracic 4 (AAT4). Also called: AORTIC ANEURYSM/AORTIC DISSECTION AND PATENT DUCTUS ARTERIOSUS. Identifiers: MedGen C1851504, MONDO:0007568, OMIM 132900.
Familial thoracic aortic aneurysm and aortic dissection (TAAD). Also called: Thoracic aortic aneurysms and dissections. Identifiers: Orphanet 91387, MedGen C4707243, MONDO:0019625.

Allele frequency attached by ClinVar (database versions not stated): 1000 Genomes Project 30x 0.00016; 1000 Genomes Project 0.00020.
gnomAD v4.1: 31 of 1,612,014 alleles (0.0019%); highest among the groups gnomAD compares: South Asian, 0.024%; 1 homozygote.

Submissions (3):

Color Diagnostics, LLC DBA Color Health
Classification: Uncertain significance for Familial thoracic aortic aneurysm and aortic dissection. Last evaluated: 2025-12-26. Review status: criteria provided, single submitter. Criteria: ACMG Guidelines, 2015. Collection method: clinical testing. Allele origin: germline.
Comment: This missense variant replaces glycine with arginine at codon 1245 of the MYH11 protein. Computational prediction suggests that this variant may not impact protein structure and function. To our knowledge, functional studies have not been reported for this variant. This variant has not been reported in individuals affected with MYH11-related disorders in the literature. This variant has been identified in 3/251198 chromosomes in the general population by the Genome Aggregation Database (gnomAD). The available evidence is insufficient to determine the role of this variant in disease conclusively. Therefore, this variant is classified as a Variant of Uncertain Significance.

Labcorp Genetics (formerly Invitae), Labcorp
Classification: Uncertain significance for Aortic aneurysm, familial thoracic 4. Last evaluated: 2023-07-28. Review status: criteria provided, single submitter. Criteria: Invitae Variant Classification Sherloc (09022015). Collection method: clinical testing. Allele origin: germline.
Comment: In summary, the available evidence is currently insufficient to determine the role of this variant in disease. Therefore, it has been classified as a Variant of Uncertain Significance. Advanced modeling of protein sequence and biophysical properties (such as structural, functional, and spatial information, amino acid conservation, physicochemical variation, residue mobility, and thermodynamic stability) performed at Invitae indicates that this missense variant is not expected to disrupt MYH11 protein function. ClinVar contains an entry for this variant (Variation ID: 925146). This variant has not been reported in the literature in individuals affected with MYH11-related conditions. This variant is present in population databases (rs558332944, gnomAD 0.01%). This sequence change replaces glycine, which is neutral and non-polar, with arginine, which is basic and polar, at codon 1245 of the MYH11 protein (p.Gly1245Arg).

All of Us Research Program, National Institutes of Health
Classification: Uncertain significance for Familial thoracic aortic aneurysm and aortic dissection. Last evaluated: 2023-06-08. Review status: criteria provided, single submitter. Criteria: ACMG Guidelines, 2015. Collection method: clinical testing. Allele origin: germline. Inheritance: Autosomal dominant inheritance. Observed: 1 variant allele, 1 heterozygote.
Comment: This missense variant replaces glycine with arginine at codon 1245 of the MYH11 protein. Computational prediction suggests that this variant may not impact protein structure and function (internally defined REVEL score threshold <= 0.5, PMID: 27666373). Splice site prediction tools suggest that this variant may not impact RNA splicing. To our knowledge, functional studies have not been performed for this variant. This variant has not been reported in individuals affected with cardiovascular disorders in the literature. This variant has been identified in 3/251198 chromosomes in the general population by the Genome Aggregation Database (gnomAD). The available evidence is insufficient to determine the role of this variant in disease conclusively. Therefore, this variant is classified as a Variant of Uncertain Significance.

This study involves interpretation of variants in research participants for the purpose of population health screening. Participant phenotype was not available at the time of variant classification. Additional details can be found in publication PMID: 35346344, PMCID: PMC8962531